The following is an entry in ClinVar:

NM_198525.3(KIF7):c.3742C>T (p.Leu1248Phe)

Gene: KIF7 (kinesin family member 7; minus strand). Cytogenetic location: 15q26.1.
Variant type: single nucleotide variant.
Coding change: c.3742C>T on transcript NM_198525.3 (MANE Select); coding-DNA position 3742, C replaced by T.
Protein change: p.Leu1248Phe; replaces leucine 1248 with phenylalanine.
Molecular consequence: missense variant.
Genome position (GRCh38, 1-based): chr15:89,628,709, G>A on the plus strand (C>T on the coding strand, the complement: KIF7 is on the minus strand). VCF-style: chr15-89628709-G-A. GRCh37 (hg19) VCF-style: chr15-90171940-G-A.
Other names: short protein forms L1248F.
Identifiers: ClinVar variation 2755612 (VCV002755612.3), dbSNP rs201519024, ClinGen allele CA393753437.

ClinVar aggregate classification (germline): Uncertain significance (1 of 4 stars; one submission).

Conditions:
Acrocallosal syndrome (ACLS). Also called: Schinzel syndrome 1; Absence of corpus callosum with unusual facial appearance, mental deficiency, duplication of the halluces and polydactyly; HALLUX DUPLICATION, POSTAXIAL POLYDACTYLY, AND ABSENCE OF CORPUS CALLOSUM. Identifiers: Orphanet 36, MedGen C0796147, MONDO:0008708, OMIM 200990.

gnomAD v4.1: 14 of 1,613,092 alleles (0.00087%); highest among the groups gnomAD compares: Non-Finnish European, 0.001%; no homozygotes.

Submission:

Labcorp Genetics (formerly Invitae), Labcorp
Classification: Uncertain significance for Acrocallosal syndrome. Last evaluated: 2025-03-18. Review status: criteria provided, single submitter. Criteria: Invitae Variant Classification Sherloc (09022015). Collection method: clinical testing. Allele origin: germline.
Comment: This sequence change replaces leucine, which is neutral and non-polar, with phenylalanine, which is neutral and non-polar, at codon 1248 of the KIF7 protein (p.Leu1248Phe). This variant is not present in population databases (gnomAD no frequency). This variant has not been reported in the literature in individuals affected with KIF7-related conditions. ClinVar contains an entry for this variant (Variation ID: 2755612). Invitae Evidence Modeling of protein sequence and biophysical properties (such as structural, functional, and spatial information, amino acid conservation, physicochemical variation, residue mobility, and thermodynamic stability) indicates that this missense variant is not expected to disrupt KIF7 protein function with a negative predictive value of 80%. In summary, the available evidence is currently insufficient to determine the role of this variant in disease. Therefore, it has been classified as a Variant of Uncertain Significance.